The following is an entry in ClinVar:

NM_001034853.2(RPGR):c.1748A>T (p.Glu583Val)

Gene: RPGR (retinitis pigmentosa GTPase regulator; minus strand). Cytogenetic location: Xp11.4.
Variant type: single nucleotide variant.
Coding change: c.1748A>T on transcript NM_001034853.2 (MANE Select); coding-DNA position 1748, A replaced by T.
Protein change: p.Glu583Val; replaces glutamic acid 583 with valine.
Molecular consequence: missense variant. On other transcripts: non-coding transcript variant (1), intron variant (5).
Genome position (GRCh38, 1-based): chrX:38,287,866, T>A on the plus strand (A>T on the coding strand, the complement: RPGR is on the minus strand). VCF-style: chrX-38287866-T-A. GRCh37 (hg19) VCF-style: chrX-38147119-T-A.
Other names: c.1748A>T, p.Glu583Val (NM_000328.3); c.1745A>T, p.Glu582Val (NM_001367245.1); c.1562A>T, p.Glu521Val (NM_001367246.1); c.1569+3093A>T (NM_001367249.1, NM_001367250.1); c.1386+3093A>T (NM_001367251.1); c.1572+3093A>T (NM_001367247.1); c.1602+3093A>T (NM_001367248.1); short protein forms E521V, E583V, E582V.
Identifiers: ClinVar variation 4775244 (VCV004775244.1).

ClinVar aggregate classification (germline): Uncertain significance (1 of 4 stars; one submission).

Conditions:
Primary ciliary dyskinesia. Also called: Ciliary dyskinesia. Identifiers: Orphanet 244, MedGen C0008780, MONDO:0016575, HP:0012265.

Submission:

Labcorp Genetics (formerly Invitae), Labcorp
Classification: Uncertain significance for Primary ciliary dyskinesia. Last evaluated: 2025-06-29. Review status: criteria provided, single submitter. Criteria: Invitae Variant Classification Sherloc (09022015). Collection method: clinical testing. Allele origin: germline.
Comment: This sequence change replaces glutamic acid, which is acidic and polar, with valine, which is neutral and non-polar, at codon 583 of the RPGR protein (p.Glu583Val). This variant is not present in population databases (gnomAD no frequency). This variant has not been reported in the literature in individuals affected with RPGR-related conditions. Invitae Evidence Modeling of protein sequence and biophysical properties (such as structural, functional, and spatial information, amino acid conservation, physicochemical variation, residue mobility, and thermodynamic stability) indicates that this missense variant is not expected to disrupt RPGR protein function with a negative predictive value of 95%. In summary, the available evidence is currently insufficient to determine the role of this variant in disease. Therefore, it has been classified as a Variant of Uncertain Significance.